The following is an entry in ClinVar:

NM_001166108.2(PALLD):c.*71_*73dup

Genes: CBR4 (carbonyl reductase 4; minus strand), PALLD (palladin, cytoskeletal associated protein; plus strand). Cytogenetic location: 4q32.3.
Variant type: Duplication.
Coding change: c.*71_*73dup on transcript NM_001166108.2 (MANE Select); 71 bases downstream of the stop codon through 73 bases downstream of the stop codon, 3 bases duplicated (AAA; older notation c.*71_*73dupAAA).
Molecular consequence: 3 prime UTR variant. On other transcripts: inframe insertion (4).
Genome position (GRCh38, 1-based): chr4:168,926,251-168,926,253, AAA duplicated; duplicating any 3 consecutive bases within chr4:168,926,247-168,926,253 gives the same sequence; the c. name uses the placement nearest the transcript's 3' end. VCF-style (leftmost placement, unchanged base first): chr4-168926246-C-CAAA. GRCh37 (hg19) VCF-style: chr4-169847397-C-CAAA.
Other names: c.2200_2202dup, p.Lys734_Val735insLys (NM_001166109.2); c.1885_1887dup, p.Lys629_Val630insLys (NM_001166110.2); c.*71_*73dup (NM_001367567.1, NM_001367570.1, NM_016081.4); c.1276_1278dup, p.Lys426_Val427insLys (NM_001367568.1); c.1225_1227dup, p.Lys409_Val410insLys (NM_001367569.1).
Identifiers: ClinVar variation 1957969 (VCV001957969.5), dbSNP rs1762566831, ClinGen allele CA2580071669.
Genomic context (GRCh38, chr4:168,926,246, plus strand): 5'-ATCTTAATTTACTCTTTTTCTTTGTAGCCCAGTGGCATCAGCAGTCACAGAGCACCAAGC[C>CAAA]AAAAAAAGTACGGCCCTCAGCCAGTCGCTATGCAGCACTTTCGGACCAGGGACTAGACAT-3'

ClinVar aggregate classification (germline): Uncertain significance (1 of 4 stars; one submission).

Conditions:
Pancreatic adenocarcinoma. Identifiers: MedGen C0281361, MONDO:0006047, HP:0006725.

Submission:

Labcorp Genetics (formerly Invitae), Labcorp
Classification: Uncertain significance for Pancreatic adenocarcinoma. Last evaluated: 2023-07-10. Review status: criteria provided, single submitter. Criteria: Invitae Variant Classification Sherloc (09022015). Collection method: clinical testing. Allele origin: germline.
Comment: In summary, the available evidence is currently insufficient to determine the role of this variant in disease. Therefore, it has been classified as a Variant of Uncertain Significance. ClinVar contains an entry for this variant (Variation ID: 1957969). This variant has not been reported in the literature in individuals affected with PALLD-related conditions. This variant is not present in population databases (gnomAD no frequency). This variant, c.1885_1887dup, results in the insertion of 1 amino acid(s) of the PALLD protein (p.Lys629dup), but otherwise preserves the integrity of the reading frame.